The following is an entry in ClinVar:

NM_000370.3(TTPA):c.663+153A>G

Gene: TTPA (alpha tocopherol transfer protein; minus strand). Cytogenetic location: 8q12.3.
Variant type: single nucleotide variant.
Coding change: c.663+153A>G on transcript NM_000370.3 (MANE Select); 153 bases into the intron after coding-DNA position 663, A replaced by G.
Molecular consequence: intron variant.
Genome position (GRCh38, 1-based): chr8:63,064,053, T>C on the plus strand (A>G on the coding strand, the complement: TTPA is on the minus strand). VCF-style: chr8-63064053-T-C. GRCh37 (hg19) VCF-style: chr8-63976612-T-C.
Identifiers: ClinVar variation 1686709 (VCV001686709.3), dbSNP rs35162793, ClinGen allele CA178383830.

ClinVar aggregate classification (germline): Likely benign. Review status: criteria provided, multiple submitters, no conflicts (2 of 4 stars). 2 submissions from 2 submitters: Likely benign (2). Last evaluated 2021-05-19.

Allele frequency attached by ClinVar (database versions not stated): 1000 Genomes Project 0.00359; 1000 Genomes Project 30x 0.00390; TOPMed 0.00751; gnomAD 0.00811 and 0.00845.
gnomAD v4.1: 1,233 of 152,164 alleles (0.81%); highest among the groups gnomAD compares: Non-Finnish European, 1.3%; 6 homozygotes.

Submissions (2):

GeneDx
Classification: Likely benign. Last evaluated: 2021-05-19. Review status: criteria provided, single submitter. Criteria: GeneDx Variant Classification Process June 2021. Collection method: clinical testing. Allele origin: germline. Affected: yes.
Comment: See Variant Classification Assertion Criteria.

Breakthrough Genomics
Classification: Likely benign. Review status: criteria provided, single submitter. Criteria: ACMG Guidelines, 2015. Collection method: not provided. Allele origin: germline. Inheritance: Autosomal recessive inheritance. Affected: yes.